The following is an entry in ClinVar:

ClinVar aggregate classification (germline): Benign. Review status: criteria provided, multiple submitters, no conflicts (2 of 4 stars). 9 submissions from 9 submitters: Benign (7). 2 of the submissions do not count toward it. Last evaluated 2026-02-04.

Conditions:
Obesity due to leptin receptor gene deficiency. Identifiers: Orphanet 179494, MedGen C3554225, MONDO:0013992, OMIM 614963.

Allele frequency attached by ClinVar (database versions not stated): gnomAD exomes 0.40260 and 0.45746; ESP Exome Variant Server 0.40750; gnomAD 0.43140 and 0.43803; TOPMed 0.43561; ExAC 0.45262; 1000 Genomes Project 30x 0.52358; 1000 Genomes Project 0.52975.
gnomAD v4.1: 655,639 of 1,613,714 alleles (41%); highest among the groups gnomAD compares: East Asian, 87%; 139,816 homozygotes.

Submissions (9):

Labcorp Genetics (formerly Invitae), Labcorp
Classification: Benign. Last evaluated: 2026-02-04. Review status: criteria provided, single submitter. Criteria: Invitae Variant Classification Sherloc (09022015). Collection method: clinical testing. Allele origin: germline.

Blueprint Genetics
Classification: Benign. Last evaluated: 2024-11-26. Review status: criteria provided, single submitter. Criteria: ACMG Guidelines, 2015. Collection method: clinical testing. Allele origin: germline.

GeneDx
Classification: Benign. Last evaluated: 2018-09-05. Review status: criteria provided, single submitter. Criteria: GeneDx Variant Classification Process June 2021. Collection method: clinical testing. Allele origin: germline. Affected: yes.

Illumina Laboratory Services, Illumina
Classification: Benign for Obesity due to leptin receptor gene deficiency. Last evaluated: 2018-01-13. Review status: criteria provided, single submitter. Criteria: ICSL Variant Classification Criteria 13 December 2019. Collection method: clinical testing. Allele origin: germline.
Comment: This variant was observed in the ICSL laboratory as part of a predisposition screen in an ostensibly healthy population. It had not been previously curated by ICSL or reported in the Human Gene Mutation Database (HGMD: prior to June 1st, 2018), and was therefore a candidate for classification through an automated scoring system. Utilizing variant allele frequency, disease prevalence and penetrance estimates, and inheritance mode, an automated score was calculated to assess if this variant is too frequent to cause the disease. Based on the score and internal cut-off values, a variant classified as benign is not then subjected to further curation. The score for this variant resulted in a classification of benign for this disease.

Athena Diagnostics
Classification: Benign. Last evaluated: 2017-07-26. Review status: criteria provided, single submitter. Criteria: Athena Diagnostics Criteria. Collection method: clinical testing. Allele origin: germline.

Genome Diagnostics Laboratory, University Medical Center Utrecht
Classification: Benign for Obesity due to leptin receptor gene deficiency. Last evaluated: 2014-10-10. Review status: criteria provided, single submitter. Criteria: ACGS Guidelines, 2013. Collection method: clinical testing. Allele origin: germline. Affected: yes. Study: VKGL Data-share Consensus.

Breakthrough Genomics
Classification: Benign. Review status: criteria provided, single submitter. Criteria: ACMG Guidelines, 2015. Collection method: not provided. Allele origin: germline. Inheritance: Autosomal recessive inheritance. Affected: yes.

Clinical Genetics, Academic Medical Center
Classification: Benign. Review status: no assertion criteria provided. Collection method: clinical testing. Allele origin: germline. Affected: yes. Study: VKGL Data-share Consensus. Not counted in ClinVar's aggregate classification.

Diagnostic Laboratory, Department of Genetics, University Medical Center Groningen
Classification: Benign for Obesity due to leptin receptor gene deficiency. Review status: no assertion criteria provided. Collection method: clinical testing. Allele origin: germline. Affected: yes. Study: VKGL Data-share Consensus. Not counted in ClinVar's aggregate classification.

NM_002303.6(LEPR):c.3057G>A (p.Pro1019=)

Gene: LEPR (leptin receptor; plus strand). Cytogenetic location: 1p31.3.
Variant type: single nucleotide variant.
Coding change: c.3057G>A on transcript NM_002303.6 (MANE Select); coding-DNA position 3057, G replaced by A.
Protein change: p.Pro1019=; no amino-acid change (proline 1019 retained).
Molecular consequence: synonymous variant.
Genome position (GRCh38, 1-based): chr1:65,636,574, G>A. VCF-style: chr1-65636574-G-A. GRCh37 (hg19) VCF-style: chr1-66102257-G-A.
Identifiers: ClinVar variation 298000 (VCV000298000.19), dbSNP rs1805096, ClinGen allele CA895214.